The following is an entry in ClinVar:

NM_000038.6(APC):c.4109A>G (p.Lys1370Arg)

Gene: APC (APC regulator of Wnt signaling pathway; plus strand). Cytogenetic location: 5q22.2.
Variant type: single nucleotide variant.
Coding change: c.4109A>G on transcript NM_000038.6 (MANE Select); coding-DNA position 4109, A replaced by G.
Protein change: p.Lys1370Arg; replaces lysine 1370 with arginine.
Molecular consequence: missense variant.
Genome position (GRCh38, 1-based): chr5:112,839,703, A>G. VCF-style: chr5-112839703-A-G. GRCh37 (hg19) VCF-style: chr5-112175400-A-G.
Other names: c.4109A>G, p.Lys1370Arg (NM_001127510.3, NM_001354895.2); c.4055A>G, p.Lys1352Arg (NM_001127511.3); c.4163A>G, p.Lys1388Arg (NM_001354896.2); c.4139A>G, p.Lys1380Arg (NM_001354897.2); c.4034A>G, p.Lys1345Arg (NM_001354898.2); c.4025A>G, p.Lys1342Arg (NM_001354899.2); c.3986A>G, p.Lys1329Arg (NM_001354900.2); c.3932A>G, p.Lys1311Arg (NM_001354901.2); and 5 more; short protein forms K1352R, K1370R, K1087R, K1244R, K1311R, K1329R, K1342R, K1345R.
Identifiers: ClinVar variation 619770 (VCV000619770.16), dbSNP rs1365778107, ClinGen allele CA16030330.
Genomic context (GRCh38, chr5:112,839,703, plus strand): 5'-AAGCTGTTGAATTTTCTTCAGGAGCGAAATCTCCCTCCAAAAGTGGTGCTCAGACACCCA[A>G]AAGTCCACCTGAACACTATGTTCAGGAGACCCCACTCATGTTTAGCAGATGTACTTCTGT-3'
Protein context (NP_000029.2, residues 1360-1380): SPSKSGAQTP[Lys1370Arg]SPPEHYVQET

ClinVar aggregate classification (germline): Conflicting classifications of pathogenicity. Review status: criteria provided, conflicting classifications (1 of 4 stars). 5 submissions from 5 submitters: Uncertain significance (4); Likely benign (1). Last evaluated 2025-05-27.

Conditions:
Classic or attenuated familial adenomatous polyposis. Identifiers: MedGen CN372698, MONDO:0021057.
Hereditary cancer-predisposing syndrome. Also called: Neoplastic Syndromes, Hereditary; Hereditary neoplastic syndrome; Tumor predisposition; Hereditary Cancer Syndrome. Identifiers: Orphanet 140162, MedGen C0027672, MeSH D009386, MONDO:0015356.
Familial adenomatous polyposis 1 (FAP1). Also called: FAMILIAL ADENOMATOUS POLYPOSIS 1, ATTENUATED; POLYPOSIS, ADENOMATOUS INTESTINAL. Identifiers: MedGen C2713442, MONDO:0021056, OMIM 175100. Disease mechanism: loss of function.

Allele frequency attached by ClinVar (database versions not stated): TOPMed 0.00001.

Submissions (5):

Labcorp Genetics (formerly Invitae), Labcorp
Classification: Likely benign for Familial adenomatous polyposis 1. Last evaluated: 2025-05-27. Review status: criteria provided, single submitter. Criteria: Invitae Variant Classification Sherloc (09022015). Collection method: clinical testing. Allele origin: germline.

Ambry Genetics
Classification: Uncertain significance for Hereditary cancer-predisposing syndrome. Last evaluated: 2025-03-18. Review status: criteria provided, single submitter. Criteria: Ambry Variant Classification Scheme 2023. Collection method: clinical testing. Allele origin: germline.
Comment: The p.K1370R variant (also known as c.4109A>G), located in coding exon 15 of the APC gene, results from an A to G substitution at nucleotide position 4109. The lysine at codon 1370 is replaced by arginine, an amino acid with highly similar properties. This amino acid position is highly conserved in available vertebrate species. In addition, in silico predictors for this gene do not accurately predict pathogenicity. Missense alterations in APC are not a common cause of disease (Spier I et al. Genet Med. 2024 Feb;26(2):100992). Based on the available evidence, the clinical significance of this variant remains unclear.

All of Us Research Program, National Institutes of Health
Classification: Uncertain significance for Classic or attenuated familial adenomatous polyposis. Last evaluated: 2023-06-26. Review status: criteria provided, single submitter. Criteria: ACMG Guidelines, 2015. Collection method: clinical testing. Allele origin: germline. Inheritance: Autosomal dominant inheritance. Observed: 1 variant allele, 1 heterozygote.
Comment: This missense variant replaces lysine with arginine at codon 1370 of the APC protein. Computational prediction suggests that this variant may not impact protein structure and function (internally defined REVEL score threshold <= 0.5, PMID: 27666373). To our knowledge, functional studies have not been reported for this variant. This variant has not been reported in individuals affected with APC-related disorders in the literature. This variant has not been identified in the general population by the Genome Aggregation Database (gnomAD). The available evidence is insufficient to determine the role of this variant in disease conclusively. Therefore, this variant is classified as a Variant of Uncertain Significance.

This study involves interpretation of variants in research participants for the purpose of population health screening. Participant phenotype was not available at the time of variant classification. Additional details can be found in publication PMID: 35346344, PMCID: PMC8962531

GeneDx
Classification: Uncertain significance. Last evaluated: 2019-08-09. Review status: criteria provided, single submitter. Criteria: GeneDx Variant Classification Process June 2021. Collection method: clinical testing. Allele origin: germline. Affected: yes.
Comment: Not observed in large population cohorts (Lek 2016); In silico analysis, which includes protein predictors and evolutionary conservation, supports that this variant does not alter protein structure/function; Has not been previously published as pathogenic or benign to our knowledge

Quest Diagnostics Nichols Institute San Juan Capistrano
Classification: Uncertain significance. Last evaluated: 2017-12-23. Review status: criteria provided, single submitter. Criteria: Quest Diagnostics criteria. Collection method: clinical testing. Allele origin: germline.